The following is an entry in ClinVar:

ClinVar aggregate classification (germline): Benign/Likely benign. Review status: criteria provided, multiple submitters, no conflicts (2 of 4 stars). 3 submissions from 3 submitters: Benign (1); Likely benign (1). 1 of the submissions does not count toward it. Last evaluated 2021-05-26.

Conditions:
Multiple sulfatase deficiency (MSD). Also called: Mucosulfatidosis; Multiple Sulfatase Deficiency Disease; Sulfatidosis, Juvenile, Austin Type. Identifiers: Orphanet 585, MedGen C0268263, MONDO:0010088, OMIM 272200.

Allele frequency attached by ClinVar (database versions not stated): gnomAD exomes 0.00185; ExAC 0.00282; ESP Exome Variant Server 0.00723; 1000 Genomes Project 30x 0.00734; 1000 Genomes Project 0.00739; gnomAD 0.00744 and 0.00803; TOPMed 0.00884.
gnomAD v4.1: 2,343 of 1,605,816 alleles (0.15%); highest among the groups gnomAD compares: African/African-American, 2.4%; 23 homozygotes.

Submissions (3):

GeneDx
Classification: Likely benign. Last evaluated: 2021-05-26. Review status: criteria provided, single submitter. Criteria: GeneDx Variant Classification Process June 2021. Collection method: clinical testing. Allele origin: germline. Affected: yes.

Illumina Laboratory Services, Illumina
Classification: Benign for Multiple sulfatase deficiency. Last evaluated: 2018-01-13. Review status: criteria provided, single submitter. Criteria: ICSL Variant Classification Criteria 13 December 2019. Collection method: clinical testing. Allele origin: germline.
Comment: This variant was observed in the ICSL laboratory as part of a predisposition screen in an ostensibly healthy population. It had not been previously curated by ICSL or reported in the Human Gene Mutation Database (HGMD: prior to June 1st, 2018), and was therefore a candidate for classification through an automated scoring system. Utilizing variant allele frequency, disease prevalence and penetrance estimates, and inheritance mode, an automated score was calculated to assess if this variant is too frequent to cause the disease. Based on the score and internal cut-off values, a variant classified as benign is not then subjected to further curation. The score for this variant resulted in a classification of benign for this disease.

Mayo Clinic Laboratories, Mayo Clinic
Classification: Likely benign. Last evaluated: 2017-04-25. Review status: no assertion criteria provided. Collection method: clinical testing. Allele origin: unknown. Not counted in ClinVar's aggregate classification.

NM_182760.4(SUMF1):c.-9C>T

Gene: SUMF1 (sulfatase modifying factor 1; minus strand). Cytogenetic location: 3p26.1.
Variant type: single nucleotide variant.
Coding change: c.-9C>T on transcript NM_182760.4 (MANE Select); 9 bases upstream of the start codon, C replaced by T.
Molecular consequence: 5 prime UTR variant.
Genome position (GRCh38, 1-based): chr3:4,467,254, G>A on the plus strand (C>T on the coding strand, the complement: SUMF1 is on the minus strand). VCF-style: chr3-4467254-G-A. GRCh37 (hg19) VCF-style: chr3-4508938-G-A.
Other names: c.-9C>T (NM_001164674.2, NM_001164675.2).
Identifiers: ClinVar variation 558947 (VCV000558947.9), dbSNP rs148200251, ClinGen allele CA2230756.